The following is an entry in ClinVar:

ClinVar aggregate classification (germline): Pathogenic (1 of 4 stars; one submission).

Submission:

Labcorp Genetics (formerly Invitae), Labcorp
Classification: Pathogenic. Last evaluated: 2023-12-19. Review status: criteria provided, single submitter. Criteria: Invitae Variant Classification Sherloc (09022015). Collection method: clinical testing. Allele origin: germline.
Comment: This sequence change creates a premature translational stop signal (p.Gln678*) in the EMC1 gene. It is expected to result in an absent or disrupted protein product. Loss-of-function variants in EMC1 are known to be pathogenic (PMID: 26572623, 26942288, 29271071). This variant is present in population databases (no rsID available, gnomAD 0.003%). This variant has not been reported in the literature in individuals affected with EMC1-related conditions. For these reasons, this variant has been classified as Pathogenic.

Literature cited by the submitters: PubMed 26572623; PubMed 26942288; PubMed 29271071.

NM_015047.3(EMC1):c.2032C>T (p.Gln678Ter)

Genes: EMC1 (ER membrane protein complex subunit 1; minus strand), EMC1-AS1 (EMC1 antisense RNA 1; plus strand). Cytogenetic location: 1p36.13.
Variant type: single nucleotide variant.
Coding change: c.2032C>T on transcript NM_015047.3 (MANE Select); coding-DNA position 2032, C replaced by T.
Protein change: p.Gln678Ter; replaces glutamine 678 with a stop codon.
Molecular consequence: nonsense.
Genome position (GRCh38, 1-based): chr1:19,230,876, G>A on the plus strand (C>T on the coding strand, the complement: EMC1 is on the minus strand). VCF-style: chr1-19230876-G-A. GRCh37 (hg19) VCF-style: chr1-19557370-G-A.
Other names: c.2029C>T, p.Gln677Ter (NM_001271427.2, NM_001271428.2); c.1966C>T, p.Gln656Ter (NM_001271429.2); c.2041C>T, p.Gln681Ter (NM_001375820.1); c.2038C>T, p.Gln680Ter (NM_001375821.1); short protein forms Q678*, Q656*, Q677*, Q680*, Q681*.
Identifiers: ClinVar variation 2704367 (VCV002704367.3), dbSNP rs770207023, ClinGen allele CA338758414.